The following is an entry in ClinVar:

NM_005529.7(HSPG2):c.4765G>T (p.Glu1589Ter)

Gene: HSPG2 (heparan sulfate proteoglycan 2; minus strand). Cytogenetic location: 1p36.12.
Variant type: single nucleotide variant.
Coding change: c.4765G>T on transcript NM_005529.7 (MANE Select); coding-DNA position 4765, G replaced by T.
Protein change: p.Glu1589Ter; replaces glutamic acid 1589 with a stop codon.
Molecular consequence: nonsense.
Genome position (GRCh38, 1-based): chr1:21,862,091, C>A on the plus strand (G>T on the coding strand, the complement: HSPG2 is on the minus strand). VCF-style: chr1-21862091-C-A. GRCh37 (hg19) VCF-style: chr1-22188584-C-A.
Other names: c.4768G>T, p.Glu1590Ter (NM_001291860.2); short protein forms E1589*, E1590*.
Identifiers: ClinVar variation 1069490 (VCV001069490.7), dbSNP rs750108837, ClinGen allele CA338951281.

ClinVar aggregate classification (germline): Pathogenic (1 of 4 stars; one submission).

gnomAD v4.1: 1 of 1,613,666 alleles (0.000062%); no homozygotes.

Submission:

Labcorp Genetics (formerly Invitae), Labcorp
Classification: Pathogenic. Last evaluated: 2026-01-15. Review status: criteria provided, single submitter. Criteria: Invitae Variant Classification Sherloc (09022015). Collection method: clinical testing. Allele origin: germline.
Comment: This sequence change creates a premature translational stop signal (p.Glu1589*) in the HSPG2 gene. It is expected to result in an absent or disrupted protein product. Loss-of-function variants in HSPG2 are known to be pathogenic (PMID: 11279527, 16927315, 20542149, 23836246). This variant is not present in population databases (gnomAD no frequency). This variant has not been reported in the literature in individuals affected with HSPG2-related conditions. ClinVar contains an entry for this variant (Variation ID: 1069490). For these reasons, this variant has been classified as Pathogenic.

Literature cited by the submitters: PubMed 11279527; PubMed 16927315; PubMed 20542149; PubMed 23836246.